The following is an entry in ClinVar:

NM_198525.3(KIF7):c.2236C>T (p.Arg746Trp)

Gene: KIF7 (kinesin family member 7; minus strand). Cytogenetic location: 15q26.1.
Variant type: single nucleotide variant.
Coding change: c.2236C>T on transcript NM_198525.3 (MANE Select); coding-DNA position 2236, C replaced by T.
Protein change: p.Arg746Trp; replaces arginine 746 with tryptophan.
Molecular consequence: missense variant.
Genome position (GRCh38, 1-based): chr15:89,642,361, G>A on the plus strand (C>T on the coding strand, the complement: KIF7 is on the minus strand). VCF-style: chr15-89642361-G-A. GRCh37 (hg19) VCF-style: chr15-90185592-G-A.
Other names: short protein forms R746W.
Identifiers: ClinVar variation 193949 (VCV000193949.30), dbSNP rs141867330, ClinGen allele CA020259.

ClinVar aggregate classification (germline): Conflicting classifications of pathogenicity. Review status: criteria provided, conflicting classifications (1 of 4 stars). 7 submissions from 7 submitters: Uncertain significance (5); Likely benign (2). Last evaluated 2025-12-17.

Conditions:
Multiple epiphyseal dysplasia, Al-Gazali type. Also called: Macrocephaly with multiple epiphyseal dysplasia and distinctive facies. Identifiers: Orphanet 166024, MedGen C1846722, MONDO:0011778, OMIM 607131.
Acrocallosal syndrome (ACLS). Also called: HALLUX DUPLICATION, POSTAXIAL POLYDACTYLY, AND ABSENCE OF CORPUS CALLOSUM; Schinzel syndrome 1; Absence of corpus callosum with unusual facial appearance, mental deficiency, duplication of the halluces and polydactyly. Identifiers: Orphanet 36, MedGen C0796147, MONDO:0008708, OMIM 200990.

Allele frequency attached by ClinVar (database versions not stated): 1000 Genomes Project 30x 0.00031; ESP Exome Variant Server 0.00031; TOPMed 0.00048.
gnomAD v4.1: 134 of 1,609,604 alleles (0.0083%); highest among the groups gnomAD compares: African/African-American, 0.14%; no homozygotes.

Submissions (7):

Labcorp Genetics (formerly Invitae), Labcorp
Classification: Uncertain significance for Acrocallosal syndrome. Last evaluated: 2025-12-17. Review status: criteria provided, single submitter. Criteria: Invitae Variant Classification Sherloc (09022015). Collection method: clinical testing. Allele origin: germline.
Comment: This sequence change replaces arginine, which is basic and polar, with tryptophan, which is neutral and slightly polar, at codon 746 of the KIF7 protein (p.Arg746Trp). This variant is present in population databases (rs141867330, gnomAD 0.1%). This variant has not been reported in the literature in individuals affected with KIF7-related conditions. ClinVar contains an entry for this variant (Variation ID: 193949). Invitae Evidence Modeling of protein sequence and biophysical properties (such as structural, functional, and spatial information, amino acid conservation, physicochemical variation, residue mobility, and thermodynamic stability) indicates that this missense variant is not expected to disrupt KIF7 protein function with a negative predictive value of 80%. In summary, the available evidence is currently insufficient to determine the role of this variant in disease. Therefore, it has been classified as a Variant of Uncertain Significance.

CeGaT Center for Human Genetics Tuebingen
Classification: Likely benign. Last evaluated: 2024-09-01. Review status: criteria provided, single submitter. Criteria: CeGaT Center For Human Genetics Tuebingen Variant Classification Criteria Version 2. Collection method: clinical testing. Allele origin: germline. Affected: yes. Observed: 1 variant allele.
Comment: KIF7: PM2, BP4, BS2

Blueprint Genetics
Classification: Likely benign. Last evaluated: 2023-11-28. Review status: criteria provided, single submitter. Criteria: ACMG Guidelines, 2015. Collection method: clinical testing. Allele origin: germline.

GeneDx
Classification: Uncertain significance. Last evaluated: 2023-08-30. Review status: criteria provided, single submitter. Criteria: GeneDx Variant Classification Process June 2021. Collection method: clinical testing. Allele origin: germline. Affected: yes.
Comment: In silico analysis supports that this missense variant has a deleterious effect on protein structure/function; Has not been previously published as pathogenic or benign to our knowledge

New York Genome Center
Classification: Uncertain significance. Last evaluated: 2021-04-16. Review status: criteria provided, single submitter. Criteria: NYGC Assertion Criteria 2020. Collection method: clinical testing. Allele origin: germline. Observed: 1 variant allele. Study: CSER-NYCKidSeq.

Baylor Genetics
Classification: Uncertain significance for Multiple epiphyseal dysplasia, Al-Gazali type. Last evaluated: 2019-12-26. Review status: criteria provided, single submitter. Criteria: ACMG Guidelines, 2015. Collection method: clinical testing. Allele origin: unknown. Affected: yes.
Comment: This variant was determined to be of uncertain significance according to ACMG Guidelines, 2015 [PMID:25741868].

Eurofins Ntd Llc (ga)
Classification: Uncertain significance. Last evaluated: 2017-04-19. Review status: criteria provided, single submitter. Criteria: EGL Classification Definitions 2015. Collection method: clinical testing. Allele origin: germline. Observed: 2 variant alleles, 2 heterozygotes.